The following is an entry in ClinVar:

ClinVar aggregate classification (germline): Conflicting classifications of pathogenicity. Review status: criteria provided, conflicting classifications (1 of 4 stars). 2 submissions from 2 submitters: Likely pathogenic (1); Uncertain significance (1). Last evaluated 2023-06-11.

Conditions:
Developmental and epileptic encephalopathy, 25 (DEE25). Also called: Epileptic encephalopathy, early infantile, 25; Developmental and epileptic encephalopathy 25, with amelogenesis imperfecta; Epileptic encephalopathy, early infantile, 25, with amelogenesis imperfecta. Identifiers: Orphanet 442835, MedGen C4014621, MONDO:0014392, OMIM 615905.

Submissions (2):

Labcorp Genetics (formerly Invitae), Labcorp
Classification: Likely pathogenic for Developmental and epileptic encephalopathy, 25. Last evaluated: 2023-06-11. Review status: criteria provided, single submitter. Criteria: Invitae Variant Classification Sherloc (09022015). Collection method: clinical testing. Allele origin: germline.
Comment: ClinVar contains an entry for this variant (Variation ID: 976222). This sequence change affects an acceptor splice site in intron 3 of the SLC13A5 gene. It is expected to disrupt RNA splicing. Variants that disrupt the donor or acceptor splice site typically lead to a loss of protein function (PMID: 16199547), and loss-of-function variants in SLC13A5 are known to be pathogenic (PMID: 24995870, 26384929). This variant is not present in population databases (gnomAD no frequency). Disruption of this splice site has been observed in individual(s) with clinical features of epileptic encephalopathy (PMID: 33063863). Algorithms developed to predict the effect of sequence changes on RNA splicing suggest that this variant may disrupt the consensus splice site. In summary, the currently available evidence indicates that the variant is pathogenic, but additional data are needed to prove that conclusively. Therefore, this variant has been classified as Likely Pathogenic.

Institute of Human Genetics, University of Leipzig Medical Center
Classification: Uncertain significance for Developmental and epileptic encephalopathy, 25. Last evaluated: 2016-08-11. Review status: criteria provided, single submitter. Criteria: ACMG Guidelines, 2015. Collection method: clinical testing. Allele origin: germline. Affected: yes. Observed: 1 variant allele.

Literature cited by the submitters: PubMed 16199547 (cited by Labcorp Genetics (formerly Invitae), Labcorp); PubMed 24995870 (cited by Labcorp Genetics (formerly Invitae), Labcorp); PubMed 26384929 (cited by Labcorp Genetics (formerly Invitae), Labcorp); PubMed 33063863 (cited by Labcorp Genetics (formerly Invitae), Labcorp).

NM_177550.5(SLC13A5):c.369-2A>G

Gene: SLC13A5 (solute carrier family 13 member 5; minus strand). Cytogenetic location: 17p13.1.
Variant type: single nucleotide variant.
Coding change: c.369-2A>G on transcript NM_177550.5 (MANE Select); the canonical splice acceptor site of the intron before coding-DNA position 369, A replaced by G.
Molecular consequence: splice acceptor variant. On other transcripts: intron variant (1).
Genome position (GRCh38, 1-based): chr17:6,704,058, T>C on the plus strand (A>G on the coding strand, the complement: SLC13A5 is on the minus strand). VCF-style: chr17-6704058-T-C. GRCh37 (hg19) VCF-style: chr17-6607377-T-C.
Other names: c.240-2A>G (NM_001284510.2); c.369-53A>G (NM_001284509.2); c.369-2A>G (NM_001143838.3).
Identifiers: ClinVar variation 976222 (VCV000976222.4), dbSNP rs1973796030, ClinGen allele CA397750283.